The following is an entry in ClinVar:

NM_000211.5(ITGB2):c.796G>A (p.Gly266Ser)

Gene: ITGB2 (integrin subunit beta 2; minus strand). Cytogenetic location: 21q22.3.
Variant type: single nucleotide variant.
Coding change: c.796G>A on transcript NM_000211.5 (MANE Select); coding-DNA position 796, G replaced by A.
Protein change: p.Gly266Ser; replaces glycine 266 with serine.
Molecular consequence: missense variant.
Genome position (GRCh38, 1-based): chr21:44,900,421, C>T on the plus strand (G>A on the coding strand, the complement: ITGB2 is on the minus strand). VCF-style: chr21-44900421-C-T. GRCh37 (hg19) VCF-style: chr21-46320336-C-T.
Other names: c.796G>A, p.Gly266Ser (NM_001127491.3); c.589G>A, p.Gly197Ser (NM_001303238.2); short protein forms G266S, G197S.
Identifiers: ClinVar variation 1353109 (VCV001353109.5), dbSNP rs764894987, ClinGen allele CA10063060.

ClinVar aggregate classification (germline): Uncertain significance (1 of 4 stars; one submission).

Conditions:
Leukocyte adhesion deficiency 1 (LAD1). Also called: LAD 1; Lymphocyte function-associated antigen 1 immunodeficiency; LFA 1 immunodeficiency; LEUKOCYTE ADHESION DEFICIENCY, TYPE I. Identifiers: Orphanet 2968, Orphanet 99842, MedGen C0398738, MONDO:0007293, OMIM 116920.

Allele frequency attached by ClinVar (database versions not stated): ExAC 0.00002; gnomAD exomes 0.00002; TOPMed 0.00002; gnomAD 0.00003 and 0.00004.
gnomAD v4.1: 40 of 1,613,902 alleles (0.0025%); highest among the groups gnomAD compares: East Asian, 0.011%; no homozygotes.

Submission:

Labcorp Genetics (formerly Invitae), Labcorp
Classification: Uncertain significance for Leukocyte adhesion deficiency 1. Last evaluated: 2024-02-23. Review status: criteria provided, single submitter. Criteria: Invitae Variant Classification Sherloc (09022015). Collection method: clinical testing. Allele origin: germline.
Comment: This sequence change replaces glycine, which is neutral and non-polar, with serine, which is neutral and polar, at codon 266 of the ITGB2 protein (p.Gly266Ser). This variant is present in population databases (rs764894987, gnomAD 0.01%). This variant has not been reported in the literature in individuals affected with ITGB2-related conditions. ClinVar contains an entry for this variant (Variation ID: 1353109). Advanced modeling of protein sequence and biophysical properties (such as structural, functional, and spatial information, amino acid conservation, physicochemical variation, residue mobility, and thermodynamic stability) has been performed at Invitae for this missense variant, however the output from this modeling did not meet the statistical confidence thresholds required to predict the impact of this variant on ITGB2 protein function. In summary, the available evidence is currently insufficient to determine the role of this variant in disease. Therefore, it has been classified as a Variant of Uncertain Significance.